The following is an entry in ClinVar:

NM_000836.4(GRIN2D):c.3895C>G (p.His1299Asp)

Gene: GRIN2D (glutamate ionotropic receptor NMDA type subunit 2D; plus strand). Cytogenetic location: 19q13.33.
Variant type: single nucleotide variant.
Coding change: c.3895C>G on transcript NM_000836.4 (MANE Select); coding-DNA position 3895, C replaced by G.
Protein change: p.His1299Asp; replaces histidine 1299 with aspartic acid.
Molecular consequence: missense variant.
Genome position (GRCh38, 1-based): chr19:48,443,821, C>G. VCF-style: chr19-48443821-C-G. GRCh37 (hg19) VCF-style: chr19-48947078-C-G.
Other names: short protein forms H1299D.
Identifiers: ClinVar variation 1494502 (VCV001494502.8), dbSNP rs2147478214, ClinGen allele CA406678846.

ClinVar aggregate classification (germline): Uncertain significance (1 of 4 stars; one submission).

Submission:

Labcorp Genetics (formerly Invitae), Labcorp
Classification: Uncertain significance. Last evaluated: 2021-12-02. Review status: criteria provided, single submitter. Criteria: Invitae Variant Classification Sherloc (09022015). Collection method: clinical testing. Allele origin: germline.
Comment: This sequence change replaces histidine, which is basic and polar, with aspartic acid, which is acidic and polar, at codon 1299 of the GRIN2D protein (p.His1299Asp). This variant is not present in population databases (gnomAD no frequency). This variant has not been reported in the literature in individuals affected with GRIN2D-related conditions. Advanced modeling of protein sequence and biophysical properties (such as structural, functional, and spatial information, amino acid conservation, physicochemical variation, residue mobility, and thermodynamic stability) performed at Invitae indicates that this missense variant is not expected to disrupt GRIN2D protein function. In summary, the available evidence is currently insufficient to determine the role of this variant in disease. Therefore, it has been classified as a Variant of Uncertain Significance.